The following is an entry in ClinVar:

NM_000092.5(COL4A4):c.1862dup (p.Gly622fs)

Gene: COL4A4 (collagen type IV alpha 4 chain; minus strand). Cytogenetic location: 2q36.3.
Variant type: Duplication.
Coding change: c.1862dup on transcript NM_000092.5 (MANE Select); coding-DNA position 1862, one base duplicated (C; older notation c.1862dupC).
Protein change: p.Gly622fs; shifts the reading frame from glycine 622.
Molecular consequence: frameshift variant.
Genome position (GRCh38, 1-based): chr2:227,078,019, G duplicated on the plus strand (C on the coding strand, the reverse complement: COL4A4 is on the minus strand); the first of 6 consecutive G bases (chr2:227,078,019-227,078,024); duplicating any one gives the same sequence. VCF-style (leftmost placement, unchanged base first): chr2-227078018-T-TG. GRCh37 (hg19) VCF-style: chr2-227942734-T-TG.
Other names: c.1862dupC (NM_000092.4); short protein forms G622fs.
Identifiers: ClinVar variation 4817299 (VCV004817299.1).

ClinVar aggregate classification (germline): Pathogenic (1 of 4 stars; one submission).

Conditions:
Alport syndrome. Also called: Hemorrhagic familial nephritis; Hemorrhagic hereditary nephritis; Congenital hereditary hematuria. Identifiers: Orphanet 63, MedGen C1567741, MONDO:0018965.

Submission:

Natera, Inc.
Classification: Pathogenic for Alport syndrome. Last evaluated: 2025-10-27. Review status: criteria provided, single submitter. Criteria: Natera Variant Classification Schema (03/2026). Collection method: clinical testing. Allele origin: germline.
Comment: The c.1862dupC variant in COL4A4 is a frameshift variant predicted to shift the reading frame beginning at codon 622 and leads to a stop codon 35 codons downstream. This variant is expected to result in nonsense mediated decay, truncation, or a dysfunctional protein product. This variant is rare in the general population with a frequency below the threshold expected for the associated phenotype(s). This variant has been observed to segregate in affected family members (PMID: 32203225). Given the available evidence, this variant is classified as Pathogenic.

Literature cited by the submitters: PubMed 32203225.